The following is an entry in ClinVar:

ClinVar aggregate classification (germline): Pathogenic/Likely pathogenic. Review status: criteria provided, multiple submitters, no conflicts (2 of 4 stars). 4 submissions from 4 submitters: Pathogenic (2); Likely pathogenic (2). Last evaluated 2024-11-27.

Conditions:
Pigmentary retinal dystrophy. Also called: Fundus albipunctatus. Identifiers: Orphanet 227796, Orphanet 52427, MedGen C0311338, MONDO:0007639, OMIM 136880, HP:0030642.
RDH5-related disorder. Also called: RDH5-related condition.

gnomAD v4.1: 48 of 1,614,078 alleles (0.003%); highest among the groups gnomAD compares: South Asian, 0.049%; 1 homozygote.

Submissions (4):

GeneDx
Classification: Likely pathogenic. Last evaluated: 2024-11-27. Review status: criteria provided, single submitter. Criteria: GeneDx Variant Classification Process June 2021. Collection method: clinical testing. Allele origin: germline. Affected: yes.
Comment: In silico analysis supports that this missense variant has a deleterious effect on protein structure/function; This variant is associated with the following publications: (PMID: 35148716, 31964843, 28418496, 22736946, 24705292, 34726233, 38219857)

Women's Health and Genetics/Laboratory Corporation of America, LabCorp
Classification: Pathogenic for Pigmentary retinal dystrophy. Last evaluated: 2024-10-28. Review status: criteria provided, single submitter. Criteria: LabCorp Variant Classification Summary - May 2015. Collection method: clinical testing. Allele origin: germline.
Comment: Variant summary: RDH5 c.758T>G (p.Met253Arg) results in a non-conservative amino acid change in the encoded protein sequence. Four of five in-silico tools predict a damaging effect of the variant on protein function. The variant allele was found at a frequency of 8e-05 in 251448 control chromosomes in the gnomAD database, including 1 homozygotes. This frequency is not significantly higher than estimated for a pathogenic variant in RDH5 causing Pigmentary retinal dystrophy, allowing no conclusion about variant significance. c.758T>G has been reported in the literature in multiple homozygous individuals affected with retinal degeneration (example: Li_2017). These data indicate that the variant is very likely to be associated with disease. The following publication has been ascertained in the context of this evaluation (PMID: 28418496). No submitters have cited clinical-significance assessments for this variant to ClinVar. Based on the evidence outlined above, the variant was classified as pathogenic.

Labcorp Genetics (formerly Invitae), Labcorp
Classification: Pathogenic. Last evaluated: 2024-05-01. Review status: criteria provided, single submitter. Criteria: Invitae Variant Classification Sherloc (09022015). Collection method: clinical testing. Allele origin: germline.
Comment: This sequence change replaces methionine, which is neutral and non-polar, with arginine, which is basic and polar, at codon 253 of the RDH5 protein (p.Met253Arg). This variant is present in population databases (rs780377973, gnomAD 0.06%). This missense change has been observed in individual(s) with fundus albipunctatus (PMID: 22736946). It has also been observed to segregate with disease in related individuals. Advanced modeling of protein sequence and biophysical properties (such as structural, functional, and spatial information, amino acid conservation, physicochemical variation, residue mobility, and thermodynamic stability) performed at Invitae indicates that this missense variant is expected to disrupt RDH5 protein function with a positive predictive value of 80%. For these reasons, this variant has been classified as Pathogenic.

Blueprint Genetics
Classification: Likely pathogenic for RDH5-related disorders. Last evaluated: 2022-05-23. Review status: criteria provided, single submitter. Criteria: ACMG Guidelines, 2015. Collection method: clinical testing. Allele origin: germline. Affected: yes. Observed: 3 variant alleles.

Literature cited by the submitters: PubMed 28418496 (cited by Women's Health and Genetics/Laboratory Corporation of America, LabCorp); PubMed 22736946 (cited by Labcorp Genetics (formerly Invitae), Labcorp).

NM_002905.5(RDH5):c.758T>G (p.Met253Arg)

Genes: BLOC1S1-RDH5 (BLOC1S1-RDH5 readthrough; plus strand), CD63 (CD63 molecule; minus strand), RDH5 (retinol dehydrogenase 5; plus strand). Cytogenetic location: 12q13.2.
Variant type: single nucleotide variant.
Coding change: c.758T>G on transcript NM_002905.5 (MANE Select); coding-DNA position 758, T replaced by G.
Protein change: p.Met253Arg; replaces methionine 253 with arginine.
Molecular consequence: missense variant. On other transcripts: non-coding transcript variant (1), 3 prime UTR variant (2).
Genome position (GRCh38, 1-based): chr12:55,724,346, T>G. VCF-style: chr12-55724346-T-G. GRCh37 (hg19) VCF-style: chr12-56118130-T-G.
Other names: c.758T>G, p.Met253Arg (NM_001199771.3); c.*718A>C (NM_001413284.1); c.*733A>C (NM_001413285.1); c.758T>G (NM_002905.3); short protein forms M253R.
Identifiers: ClinVar variation 3385045 (VCV003385045.4).
Genomic context (GRCh38, chr12:55,724,346, plus strand): 5'-AAGGGAAACTGATTGCAACCACCTATGGGGCTGCAGACCTGAAAATGCAACAGCGCATCA[T>G]GAACCTGATCTGTGACCCGGACCTAACCAAGGTGAGCCGATGCCTGGAGCATGCCCTGAC-3'
Protein context (NP_002896.2, residues 243-263): TKYLKMQQRI[Met253Arg]NLICDPDLTK